The following is an entry in ClinVar:

NM_004364.5(CEBPA):c.31C>A (p.Pro11Thr)

Genes: CEBPA (CCAAT enhancer binding protein alpha; minus strand), LOC130064183 (ATAC-STARR-seq lymphoblastoid silent region 10495; plus strand). Cytogenetic location: 19q13.11.
Variant type: single nucleotide variant.
Coding change: c.31C>A on transcript NM_004364.5 (MANE Select); coding-DNA position 31, C replaced by A.
Protein change: p.Pro11Thr; replaces proline 11 with threonine.
Molecular consequence: missense variant. On other transcripts: 5 prime UTR variant (2).
Genome position (GRCh38, 1-based): chr19:33,302,384, G>T on the plus strand (C>A on the coding strand, the complement: CEBPA is on the minus strand). VCF-style: chr19-33302384-G-T. GRCh37 (hg19) VCF-style: chr19-33793290-G-T.
Other names: c.-327C>A (NM_001285829.2); c.136C>A, p.Pro46Thr (NM_001287424.2); c.-12C>A (NM_001287435.2); short protein forms P11T, P46T.
Identifiers: ClinVar variation 938986 (VCV000938986.11), dbSNP rs1555742325, ClinGen allele CA405275822.

ClinVar aggregate classification (germline): Uncertain significance. Review status: criteria provided, multiple submitters, no conflicts (2 of 4 stars). 2 submissions from 2 submitters: Uncertain significance (2). Last evaluated 2022-07-03.

Conditions:
Acute myeloid leukemia (AML). Also called: Acute myeloid leukemia, adult; AML adult; Acute non-lymphocytic leukemia; Acute granulocytic leukemia; Leukemia, acute myelogenous, somatic; Leukemia, acute myeloid, somatic. Identifiers: Orphanet 519, MedGen C0023467, MeSH D015470, MONDO:0018874, OMIM 601626, HP:0004808. Disease mechanism: Constitutively activated FLT3.

gnomAD v4.1: 1 of 1,303,318 alleles (0.000077%); no homozygotes.

Submissions (2):

Labcorp Genetics (formerly Invitae), Labcorp
Classification: Uncertain significance for Acute myeloid leukemia. Last evaluated: 2022-07-03. Review status: criteria provided, single submitter. Criteria: Invitae Variant Classification Sherloc (09022015). Collection method: clinical testing. Allele origin: germline.
Comment: In summary, the available evidence is currently insufficient to determine the role of this variant in disease. Therefore, it has been classified as a Variant of Uncertain Significance. Algorithms developed to predict the effect of missense changes on protein structure and function (SIFT, PolyPhen-2, Align-GVGD) all suggest that this variant is likely to be tolerated. ClinVar contains an entry for this variant (Variation ID: 938986). This variant has not been reported in the literature in individuals affected with CEBPA-related conditions. This variant is not present in population databases (gnomAD no frequency). This sequence change replaces proline, which is neutral and non-polar, with threonine, which is neutral and polar, at codon 11 of the CEBPA protein (p.Pro11Thr).

Mendelics
Classification: Uncertain significance. Last evaluated: 2022-05-04. Review status: criteria provided, single submitter. Criteria: Mendelics Assertion Criteria 2019. Collection method: clinical testing. Allele origin: germline.